The following is an entry in ClinVar:

NM_052947.4(ALPK2):c.6471A>G (p.Ile2157Met)

Gene: ALPK2 (alpha kinase 2; minus strand). Cytogenetic location: 18q21.31.
Variant type: single nucleotide variant.
Coding change: c.6471A>G on transcript NM_052947.4 (MANE Select); coding-DNA position 6471, A replaced by G.
Protein change: p.Ile2157Met; replaces isoleucine 2157 with methionine.
Molecular consequence: missense variant.
Genome position (GRCh38, 1-based): chr18:58,481,865, T>C on the plus strand (A>G on the coding strand, the complement: ALPK2 is on the minus strand). VCF-style: chr18-58481865-T-C. GRCh37 (hg19) VCF-style: chr18-56149097-T-C.
Other names: short protein forms I2157M.
Identifiers: ClinVar variation 3530971 (VCV003530971.1).

ClinVar aggregate classification (germline): Uncertain significance (1 of 4 stars; one submission).

Submission:

Ambry Genetics
Classification: Uncertain significance. Last evaluated: 2024-07-29. Review status: criteria provided, single submitter. Criteria: Ambry Variant Classification Scheme 2023. Collection method: clinical testing. Allele origin: germline.
Comment: The p.I2157M variant (also known as c.6471A>G), located in coding exon 12 of the ALPK2 gene, results from an A to G substitution at nucleotide position 6471. The isoleucine at codon 2157 is replaced by methionine, an amino acid with highly similar properties. This amino acid position is conserved. In addition, this alteration is predicted to be tolerated by in silico analysis. Based on the available evidence, the clinical significance of this variant remains unclear.